The following is an entry in ClinVar:

ClinVar aggregate classification (germline): Uncertain significance (1 of 4 stars; one submission).

Submission:

GeneDx
Classification: Uncertain significance. Last evaluated: 2022-11-17. Review status: criteria provided, single submitter. Criteria: GeneDx Variant Classification Process June 2021. Collection method: clinical testing. Allele origin: germline. Affected: yes.
Comment: Not observed at significant frequency in large population cohorts (gnomAD); In-frame duplication of 1 amino acid in a non-repeat region; Has not been previously published as pathogenic or benign to our knowledge

NM_022552.5(DNMT3A):c.2716_2718dup (p.Lys906_Glu907insLys)

Gene: DNMT3A (DNA methyltransferase 3 alpha; minus strand). Cytogenetic location: 2p23.3.
Variant type: Duplication.
Coding change: c.2716_2718dup on transcript NM_022552.5 (MANE Select); coding-DNA positions 2716 to 2718, 3 bases duplicated (AAG; older notation c.2716_2718dupAAG).
Protein change: p.Lys906_Glu907insLys.
Molecular consequence: inframe insertion. On other transcripts: non-coding transcript variant (1).
Genome position (GRCh38, 1-based): chr2:25,234,300-25,234,302, CTT duplicated on the plus strand (AAG on the coding strand, the reverse complement: DNMT3A is on the minus strand); duplicating any 3 consecutive bases within chr2:25,234,300-25,234,303 gives the same sequence; the c. name uses the placement nearest the transcript's 3' end. VCF-style (leftmost placement, unchanged base first): chr2-25234299-C-CCTT. GRCh37 (hg19) VCF-style: chr2-25457168-C-CCTT.
Other names: c.2260_2262dup, p.Lys754_Glu755insLys (NM_001320893.1); c.2047_2049dup, p.Lys683_Glu684insLys (NM_001375819.1); c.2149_2151dup, p.Lys717_Glu718insLys (NM_153759.3); c.2716_2718dup, p.Lys906_Glu907insLys (NM_175629.2).
Identifiers: ClinVar variation 2502468 (VCV002502468.1), dbSNP rs769590067, ClinGen allele CA2580611250.